The following is an entry in ClinVar:

NM_006545.5(NPRL2):c.1019del (p.His340fs)

Gene: NPRL2 (NPR2 like, GATOR1 complex subunit; minus strand). Cytogenetic location: 3p21.31.
Variant type: Deletion.
Coding change: c.1019del on transcript NM_006545.5 (MANE Select); coding-DNA position 1019, one base deleted (A; older notation c.1019delA).
Protein change: p.His340fs; shifts the reading frame from histidine 340.
Molecular consequence: frameshift variant.
Genome position (GRCh38, 1-based): chr3:50,347,815, T deleted on the plus strand (A on the coding strand, the reverse complement: NPRL2 is on the minus strand). VCF-style (leftmost placement, unchanged base first): chr3-50347814-GT-G. GRCh37 (hg19) VCF-style: chr3-50385245-GT-G.
Other names: short protein forms H340fs.
Identifiers: ClinVar variation 3900070 (VCV003900070.1).

ClinVar aggregate classification (germline): Uncertain significance (1 of 4 stars; one submission).

Submission:

GeneDx
Classification: Uncertain significance. Last evaluated: 2024-11-26. Review status: criteria provided, single submitter. Criteria: GeneDx Variant Classification Process June 2021. Collection method: clinical testing. Allele origin: germline. Affected: yes.
Comment: Not observed at significant frequency in large population cohorts (gnomAD); Frameshift variant predicted to result in abnormal protein length as the last 41 amino acid(s) are replaced with 20 different amino acid(s); Has not been previously published as pathogenic or benign to our knowledge